The following is an entry in ClinVar:

ClinVar aggregate classification (germline): Uncertain significance (1 of 4 stars; one submission).

Conditions:
Cornelia de Lange syndrome 5 (CDLS5). Also called: HDAC8-Related Cornelia de Lange Syndrome. Identifiers: Orphanet 199, MedGen C3550903, MONDO:0010471, OMIM 300882.

Submission:

Labcorp Genetics (formerly Invitae), Labcorp
Classification: Uncertain significance for Cornelia de Lange syndrome 5. Last evaluated: 2022-10-19. Review status: criteria provided, single submitter. Criteria: Invitae Variant Classification Sherloc (09022015). Collection method: clinical testing. Allele origin: germline.
Comment: In summary, the available evidence is currently insufficient to determine the role of this variant in disease. Therefore, it has been classified as a Variant of Uncertain Significance. Advanced modeling of protein sequence and biophysical properties (such as structural, functional, and spatial information, amino acid conservation, physicochemical variation, residue mobility, and thermodynamic stability) performed at Invitae indicates that this missense variant is not expected to disrupt HDAC8 protein function. This variant has not been reported in the literature in individuals affected with HDAC8-related conditions. This variant is not present in population databases (gnomAD no frequency). This sequence change replaces threonine, which is neutral and polar, with alanine, which is neutral and non-polar, at codon 326 of the HDAC8 protein (p.Thr326Ala).

NM_018486.3(HDAC8):c.976A>G (p.Thr326Ala)

Gene: HDAC8 (histone deacetylase 8; minus strand). Cytogenetic location: Xq13.1.
Variant type: single nucleotide variant.
Coding change: c.976A>G on transcript NM_018486.3 (MANE Select); coding-DNA position 976, A replaced by G.
Protein change: p.Thr326Ala; replaces threonine 326 with alanine.
Molecular consequence: missense variant. On other transcripts: non-coding transcript variant (1).
Genome position (GRCh38, 1-based): chrX:72,462,033, T>C on the plus strand (A>G on the coding strand, the complement: HDAC8 is on the minus strand). VCF-style: chrX-72462033-T-C. GRCh37 (hg19) VCF-style: chrX-71681883-T-C.
Other names: c.703A>G, p.Thr235Ala (NM_001166418.2, NM_001410728.1); c.976A>G, p.Thr326Ala (NM_001410725.1); c.898A>G, p.Thr300Ala (NM_001410727.1); c.*56A>G (NM_001410729.1); short protein forms T235A, T300A, T326A.
Identifiers: ClinVar variation 1721887 (VCV001721887.5), dbSNP rs2520355768, ClinGen allele CA413642072.
Genomic context (GRCh38, chrX:72,462,033, plus strand): 5'-AGAAGAGAGGACTTGTCAGAGCCTTACTTACCTCATGATCTGGGATCTCAGAGGATAGTG[T>C]TTTCCCTAGGATGACCCCGGTCAAGTATGTCCAGCATCGAGCCGTGTTGGCAAGGTTATA-3'
Protein context (NP_060956.1, residues 316-336): TYLTGVILGK[Thr326Ala]LSSEIPDHEF